The following is an entry in ClinVar:

NM_007194.4(CHEK2):c.279G>C (p.Trp93Cys)

Gene: CHEK2 (checkpoint kinase 2; minus strand). Cytogenetic location: 22q12.1.
Variant type: single nucleotide variant.
Coding change: c.279G>C on transcript NM_007194.4 (MANE Select); coding-DNA position 279, G replaced by C.
Protein change: p.Trp93Cys; replaces tryptophan 93 with cysteine.
Molecular consequence: missense variant.
Genome position (GRCh38, 1-based): chr22:28,734,443, C>G on the plus strand (G>C on the coding strand, the complement: CHEK2 is on the minus strand). VCF-style: chr22-28734443-C-G. GRCh37 (hg19) VCF-style: chr22-29130431-C-G.
Other names: c.279G>C, p.Trp93Cys (NM_001005735.3, NM_001349956.3, NM_145862.3); c.-499G>C (NM_001257387.3); short protein forms W93C.
Identifiers: ClinVar variation 2052589 (VCV002052589.4), dbSNP rs587782070, ClinGen allele CA411090397.

ClinVar aggregate classification (germline): Uncertain significance (1 of 4 stars; one submission).

Conditions:
Familial cancer of breast. Also called: hereditary breast carcinoma; BREAST CANCER, FAMILIAL; Hereditary breast cancer. Identifiers: Orphanet 227535, MedGen C0346153, MONDO:0016419, OMIM 114480. Disease mechanism: loss of function.

Submission:

Labcorp Genetics (formerly Invitae), Labcorp
Classification: Uncertain significance for Familial cancer of breast. Last evaluated: 2021-12-22. Review status: criteria provided, single submitter. Criteria: Invitae Variant Classification Sherloc (09022015). Collection method: clinical testing. Allele origin: germline.
Comment: This variant is not present in population databases (gnomAD no frequency). This variant has not been reported in the literature in individuals affected with CHEK2-related conditions. Algorithms developed to predict the effect of missense changes on protein structure and function (SIFT, PolyPhen-2, Align-GVGD) all suggest that this variant is likely to be disruptive. In summary, the available evidence is currently insufficient to determine the role of this variant in disease. Therefore, it has been classified as a Variant of Uncertain Significance. This sequence change replaces tryptophan, which is neutral and slightly polar, with cysteine, which is neutral and slightly polar, at codon 93 of the CHEK2 protein (p.Trp93Cys).